The following is an entry in ClinVar:

NM_001136193.2(FASTKD2):c.129A>G (p.Leu43=)

Gene: FASTKD2 (FASTK mitochondrial RNA regulator 2; plus strand). Cytogenetic location: 2q33.3.
Variant type: single nucleotide variant.
Coding change: c.129A>G on transcript NM_001136193.2 (MANE Select); coding-DNA position 129, A replaced by G.
Protein change: p.Leu43=; no amino-acid change (leucine 43 retained).
Molecular consequence: synonymous variant.
Genome position (GRCh38, 1-based): chr2:206,766,822, A>G. VCF-style: chr2-206766822-A-G. GRCh37 (hg19) VCF-style: chr2-207631546-A-G.
Other names: c.129A>G, p.Leu43= (NM_001136194.2, NM_014929.4).
Identifiers: ClinVar variation 4534425 (VCV004534425.6).
Genomic context (GRCh38, chr2:206,766,822, plus strand): 5'-CTTTTTCTGGAACCTTAGACAATTCAGTACATTAGTTTCAACAAGCAGAACTATGAGGCT[A>G]TGTTGTTTGGGACTTTGCAAACCAAAAATAGTTCATTCAAACTGGAACATTTTAAATAAC-3'
Protein context (NP_001129665.1, residues 33-53): TLVSTSRTMR[Leu43=]CCLGLCKPKI

ClinVar aggregate classification (germline): Likely benign (1 of 4 stars; one submission).

gnomAD v4.1: 7 of 1,612,104 alleles (0.00043%); highest among the groups gnomAD compares: African/African-American, 0.0013%; no homozygotes.

Submission:

CeGaT Center for Human Genetics Tuebingen
Classification: Likely benign. Last evaluated: 2025-10-01. Review status: criteria provided, single submitter. Criteria: CeGaT Center For Human Genetics Tuebingen Variant Classification Criteria Version 2. Collection method: clinical testing. Allele origin: germline. Affected: yes. Observed: 1 variant allele.
Comment: FASTKD2: BP4, BP7